The following is an entry in ClinVar:

NM_014742.4(TM9SF4):c.1047C>T (p.Gly349=)

Gene: TM9SF4 (transmembrane 9 superfamily member 4; plus strand). Cytogenetic location: 20q11.21.
Variant type: single nucleotide variant.
Coding change: c.1047C>T on transcript NM_014742.4 (MANE Select); coding-DNA position 1047, C replaced by T.
Protein change: p.Gly349=; no amino-acid change (glycine 349 retained).
Molecular consequence: synonymous variant.
Genome position (GRCh38, 1-based): chr20:32,149,726, C>T. VCF-style: chr20-32149726-C-T. GRCh37 (hg19) VCF-style: chr20-30737529-C-T.
Other names: c.996C>T, p.Gly332= (NM_001363731.2).
Identifiers: ClinVar variation 3388342 (VCV003388342.14).

ClinVar aggregate classification (germline): Likely benign (1 of 4 stars; one submission).

Submission:

CeGaT Center for Human Genetics Tuebingen
Classification: Likely benign. Last evaluated: 2024-11-01. Review status: criteria provided, single submitter. Criteria: CeGaT Center For Human Genetics Tuebingen Variant Classification Criteria Version 2. Collection method: clinical testing. Allele origin: germline. Affected: yes. Observed: 1 variant allele.
Comment: TM9SF4: BP4, BP7